The following is an entry in ClinVar:

NM_002454.3(MTRR):c.1361C>T (p.Ser454Leu)

Gene: MTRR (5-methyltetrahydrofolate-homocysteine methyltransferase reductase; plus strand). Cytogenetic location: 5p15.31.
Variant type: single nucleotide variant.
Coding change: c.1361C>T on transcript NM_002454.3 (MANE Select); coding-DNA position 1361, C replaced by T.
Protein change: p.Ser454Leu; replaces serine 454 with leucine.
Molecular consequence: missense variant. On other transcripts: non-coding transcript variant (14).
Genome position (GRCh38, 1-based): chr5:7,891,405, C>T. VCF-style: chr5-7891405-C-T. GRCh37 (hg19) VCF-style: chr5-7891518-C-T.
Other names: c.1361C>T, p.Ser454Leu (NM_001364440.2, NM_001364441.2, NM_001364442.2 and 1 more transcripts); short protein forms S454L.
Identifiers: ClinVar variation 7033 (VCV000007033.20), dbSNP rs137853062, ClinGen allele CA254075.
Genomic context (GRCh38, chr5:7,891,405, plus strand): 5'-TAATTGCTTGTTTTTATTTTTTTCTAGAACATCTTCCTAAACTTCAACCCAGACCATATT[C>T]GTGTGCAAGGTACTACTATTTATTCACGTAATATATAGCATTGTTTCTCCAAAATCTTAG-3'
Protein context (NP_002445.2, residues 444-464): HLPKLQPRPY[Ser454Leu]CASSSLFHPG

ClinVar aggregate classification (germline): Pathogenic/Likely pathogenic. Review status: criteria provided, multiple submitters, no conflicts (2 of 4 stars). 10 submissions from 10 submitters: Pathogenic (7); Likely pathogenic (1). 2 of the submissions do not count toward it. Last evaluated 2025-09-10.

Conditions:
Neural tube defects, folate-sensitive (NTDFS). Also called: NTD, FOLATE-SENSITIVE. Identifiers: Orphanet 823, MedGen C1866558, MONDO:0011120, OMIM 601634.
Disorders of Intracellular Cobalamin Metabolism. Identifiers: MedGen CN043592.
Methylcobalamin deficiency type cblE (HMAE). Also called: VITAMIN B12-RESPONSIVE HOMOCYSTINURIA, cblE TYPE; HOMOCYSTINURIA-MEGALOBLASTIC ANEMIA, cblE COMPLEMENTATION TYPE; HOMOCYSTINURIA-MEGALOBLASTIC ANEMIA, cblE TYPE. Identifiers: Orphanet 2169, Orphanet 622, MedGen C1856057, MONDO:0009354, OMIM 236270.

Allele frequency attached by ClinVar (database versions not stated): gnomAD exomes below 0.00001; gnomAD 0.00001.

Submissions (10):

Genomic Medicine Center of Excellence, King Faisal Specialist Hospital and Research Centre
Classification: Likely pathogenic for Methylcobalamin deficiency type cblE. Last evaluated: 2025-09-10. Review status: criteria provided, single submitter. Criteria: ACMG Guidelines, 2015. Collection method: clinical testing. Allele origin: germline.

Labcorp Genetics (formerly Invitae), Labcorp
Classification: Pathogenic for Methylcobalamin deficiency type cblE. Last evaluated: 2025-07-24. Review status: criteria provided, single submitter. Criteria: Invitae Variant Classification Sherloc (09022015). Collection method: clinical testing. Allele origin: germline.
Comment: This sequence change replaces serine, which is neutral and polar, with leucine, which is neutral and non-polar, at codon 454 of the MTRR protein (p.Ser454Leu). This variant is present in population databases (rs137853062, gnomAD 0.007%). This missense change has been observed in individual(s) with cobalamin E deficiency (PMID: 12971424, 15714522, 22887477, 25978498). In at least one individual the data is consistent with being in trans (on the opposite chromosome) from a pathogenic variant. ClinVar contains an entry for this variant (Variation ID: 7033). Invitae Evidence Modeling of protein sequence and biophysical properties (such as structural, functional, and spatial information, amino acid conservation, physicochemical variation, residue mobility, and thermodynamic stability) indicates that this missense variant is expected to disrupt MTRR protein function with a positive predictive value of 80%. For these reasons, this variant has been classified as Pathogenic.

Natera, Inc.
Classification: Pathogenic for CblE complementation type homocystinuria-megaloblastic anemia due to defect in cobalamin metabolism. Last evaluated: 2025-05-22. Review status: criteria provided, single submitter. Criteria: Natera Variant Classification Schema (03/2026). Collection method: clinical testing. Allele origin: germline.
Comment: The c.1361C>T variant in MTRR is a missense variant predicted to cause substitution of serine to leucine at amino acid 454. This variant is rare in the general population with a frequency below the threshold expected for the associated phenotype(s). This variant has been observed in one or more individuals affected with the associated recessive disease, as either homozygous or compound heterozygous with a second variant (PMID: 25978498, 15714522). Computational prediction algorithms indicate this variant is likely to affect gene or protein function. Given the available evidence, this variant is classified as Pathogenic.

Women's Health and Genetics/Laboratory Corporation of America, LabCorp
Classification: Pathogenic for Methylcobalamin deficiency type cblE. Last evaluated: 2024-07-16. Review status: criteria provided, single submitter. Criteria: LabCorp Variant Classification Summary - May 2015. Collection method: clinical testing. Allele origin: germline.
Comment: Variant summary: MTRR c.1361C>T (p.Ser454Leu) results in a non-conservative amino acid change located in the Sulfite reductase [NADPH] flavoprotein alpha-component-like, FAD-binding domain (IPR003097) of the encoded protein sequence. Four of four in-silico tools predict a damaging effect of the variant on protein function. The variant was absent in 251028 control chromosomes. c.1361C>T has been reported in the literature in multiple homozygous individuals affected with Homocystinuria-Megaloblastic Anemia, cbl E type (e.g. Richard_2013, Vilaseca_2003). These data indicate that the variant is very likely to be associated with disease. Multiple publications reports experimental evidence evaluating an impact on protein function in patient fibroblast cells which include impaired methionine synthase activity (e.g. Vilaseca_2003) and increased ROS production and apoptosis (e.g. Richard_2013). The following publications have been ascertained in the context of this evaluation (PMID: 22887477, 12971424). ClinVar contains an entry for this variant (Variation ID: 7033). Based on the evidence outlined above, the variant was classified as pathogenic.

Baylor Genetics
Classification: Pathogenic for Neural tube defects, folate-sensitive. Last evaluated: 2023-06-08. Review status: criteria provided, single submitter. Criteria: ACMG Guidelines, 2015. Collection method: clinical testing. Allele origin: unknown.

3billion
Classification: Pathogenic for Methylcobalamin deficiency type cblE. Last evaluated: 2023-02-23. Review status: criteria provided, single submitter. Criteria: ACMG Guidelines, 2015. Collection method: clinical testing. Allele origin: unknown. Affected: yes.
Comment: The variant is observed at an extremely low frequency in the gnomAD v2.1.1 dataset (total allele frequency: 0.003%). Protein truncation variants are a common disease-causing mechanism. In silico tool predictions suggest damaging effect of the variant on gene or gene product (REVEL: 0.76; 3Cnet: 0.75). Same nucleotide change resulting in same amino acid change has been previously reported as pathogenic/likely pathogenic with strong evidence (ClinVar ID: VCV000007033 / PMID: 12971424). The variant has been observed in at least two similarly affected unrelated individuals (PMID: 12971424). The variant has been reported to be in trans with a pathogenic variant as either compound heterozygous or homozygous in at least one similarly affected unrelated individual (PMID: 25978498). Therefore, this variant is classified as Pathogenic according to the recommendation of ACMG/AMP guideline.

Mendelics
Classification: Pathogenic for Methylcobalamin deficiency type cblE. Last evaluated: 2022-05-04. Review status: criteria provided, single submitter. Criteria: Mendelics Assertion Criteria 2019. Collection method: clinical testing. Allele origin: germline.

ARUP Laboratories, Molecular Genetics and Genomics, ARUP Laboratories
Classification: Pathogenic. Last evaluated: 2017-12-04. Review status: criteria provided, single submitter. Criteria: ARUP Molecular Germline Variant Investigation Process. Collection method: clinical testing. Allele origin: germline.
Comment: The p.Ser454Leu (rs137853062) has been reported in numerous patients with megaloblastic anemia and homocystinuria both as homozygotes or bi-allelic with the MTRR frameshift variant, p.Glu560fs (Ruiz-Mercado, 2016 and Vilaseca, 2003). Functional cell-based experiments from patient fibroblasts demonstrated elevated oxidative stress and apoptosis (Richard, 2013). Furthermore, methionine synthesis was normalized through expression of a wildtype copy of MTRR in fibroblasts cells of two homozygote patients (Zavadakova, 2005). This variant is listed in the Genome Aggregation Database (gnomAD) identified on a single chromosome out of 30,542, and has been reported to the ClinVar database as a pathogenic variant (Variation ID: 7033). The serine at position 454 is highly conserved up to bakerâ€™s yeast considering 15 species (Alamut v2.10) and computational analyses of the p.Ser454Leu variant on protein structure and function indicate a deleterious effect (SIFT: damaging, MutationTaster: disease causing, PolyPhen-2: probably damaging). Given the current evidence, the p.Ser454Leu is considered to be pathogenic.

OMIM
Classification: Pathogenic for HOMOCYSTINURIA-MEGALOBLASTIC ANEMIA, cblE COMPLEMENTATION TYPE. Last evaluated: 2005-03-01. Review status: no assertion criteria provided. Collection method: literature only. Allele origin: germline. Not counted in ClinVar's aggregate classification.

GeneReviews
No classification provided. Condition: Disorders of Intracellular Cobalamin Metabolism. Review status: no classification provided. Collection method: literature only. Allele origin: germline. Not counted in ClinVar's aggregate classification.

Literature cited by the submitters: PubMed 12971424 (cited by 3 submitters); PubMed 15714522 (cited by 4 submitters); PubMed 22887477 (cited by Labcorp Genetics (formerly Invitae), Labcorp and Women's Health and Genetics/Laboratory Corporation of America, LabCorp); PubMed 25978498 (cited by 3 submitters).